The following is an entry in ClinVar:

ClinVar aggregate classification (germline): Likely benign. Review status: criteria provided, multiple submitters, no conflicts (2 of 4 stars). 2 submissions from 2 submitters: Likely benign (2). Last evaluated 2026-08-01.

gnomAD v4.1: 28 of 1,613,656 alleles (0.0017%); highest among the groups gnomAD compares: Admixed American, 0.01%; no homozygotes.

Submissions (2):

CeGaT Center for Human Genetics Tuebingen
Classification: Likely benign. Last evaluated: 2026-08-01. Review status: criteria provided, single submitter. Criteria: CeGaT Center For Human Genetics Tuebingen Variant Classification Criteria Version 2. Collection method: clinical testing. Allele origin: germline. Affected: yes. Observed: 1 variant allele.
Comment: FN1: BP4, BP7

Labcorp Genetics (formerly Invitae), Labcorp
Classification: Likely benign. Last evaluated: 2025-02-10. Review status: criteria provided, single submitter. Criteria: Invitae Variant Classification Sherloc (09022015). Collection method: clinical testing. Allele origin: germline.

NM_212482.4(FN1):c.2430G>A (p.Ala810=)

Gene: FN1 (fibronectin 1; minus strand). Cytogenetic location: 2q35.
Variant type: single nucleotide variant.
Coding change: c.2430G>A on transcript NM_212482.4 (MANE Select); coding-DNA position 2430, G replaced by A.
Protein change: p.Ala810=; no amino-acid change (alanine 810 retained).
Molecular consequence: synonymous variant.
Genome position (GRCh38, 1-based): chr2:215,408,196, C>T on the plus strand (G>A on the coding strand, the complement: FN1 is on the minus strand). VCF-style: chr2-215408196-C-T. GRCh37 (hg19) VCF-style: chr2-216272919-C-T.
Other names: c.2430G>A, p.Ala810= (NM_001306131.2, NM_001306132.2, NM_001365517.2 and 13 more transcripts).
Identifiers: ClinVar variation 3015880 (VCV003015880.4), dbSNP rs751168230, ClinGen allele CA2094974.